The following is an entry in ClinVar:

NM_004525.3(LRP2):c.11335G>A (p.Asp3779Asn)

Gene: LRP2 (LDL receptor related protein 2; minus strand). Cytogenetic location: 2q31.1.
Variant type: single nucleotide variant.
Coding change: c.11335G>A on transcript NM_004525.3 (MANE Select); coding-DNA position 11335, G replaced by A.
Protein change: p.Asp3779Asn; replaces aspartic acid 3779 with asparagine.
Molecular consequence: missense variant.
Genome position (GRCh38, 1-based): chr2:169,170,596, C>T on the plus strand (G>A on the coding strand, the complement: LRP2 is on the minus strand). VCF-style: chr2-169170596-C-T. GRCh37 (hg19) VCF-style: chr2-170027106-C-T.
Other names: p.Asp3779Asn; short protein forms D3779N.
Identifiers: ClinVar variation 746868 (VCV000746868.20), dbSNP rs199583537, ClinGen allele CA1953107.

ClinVar aggregate classification (germline): Conflicting classifications of pathogenicity. Review status: criteria provided, conflicting classifications (1 of 4 stars). 8 submissions from 8 submitters: Uncertain significance (5); Likely benign (2). 1 of the submissions does not count toward it. Last evaluated 2026-03-02.

Conditions:
Donnai-Barrow syndrome. Also called: DBS/FOAR SYNDROME; FACIOOCULOACOUSTICORENAL SYNDROME. Identifiers: Orphanet 2143, MedGen C1857277, MONDO:0009104, OMIM 222448.
Intellectual disability. Also called: intellectual disabilities; Intellectual developmental disorder; Intellectual functioning disability. Identifiers: MedGen C3714756, MeSH D008607, MONDO:0001071, HP:0001249.
LRP2-related disorder. Also called: LRP2-related condition.

Allele frequency attached by ClinVar (database versions not stated): gnomAD 0.00008 and 0.00011; TOPMed 0.00012; gnomAD exomes 0.00013 and 0.00025; ExAC 0.00025.
gnomAD v4.1: 217 of 1,614,094 alleles (0.013%); highest among the groups gnomAD compares: South Asian, 0.096%; 3 homozygotes.

Submissions (8):

PreventionGenetics, part of Exact Sciences
Classification: Likely benign for LRP2-related condition. Last evaluated: 2026-03-02. Review status: criteria provided, single submitter. Criteria: ACMG Guidelines, 2015. Collection method: clinical testing. Allele origin: germline.
Comment: This variant is classified as likely benign based on ACMG/AMP sequence variant interpretation guidelines (Richards et al. 2015 PMID: 25741868, with internal and published modifications).

Labcorp Genetics (formerly Invitae), Labcorp
Classification: Likely benign. Last evaluated: 2026-01-19. Review status: criteria provided, single submitter. Criteria: Invitae Variant Classification Sherloc (09022015). Collection method: clinical testing. Allele origin: germline.

Blueprint Genetics
Classification: Uncertain significance. Last evaluated: 2024-04-25. Review status: criteria provided, single submitter. Criteria: ACMG Guidelines, 2015. Collection method: clinical testing. Allele origin: germline.

Fulgent Genetics
Classification: Uncertain significance for Donnai-Barrow syndrome. Last evaluated: 2024-04-16. Review status: criteria provided, single submitter. Criteria: ACMG Guidelines, 2015. Collection method: clinical testing. Allele origin: germline.

Mayo Clinic Laboratories, Mayo Clinic
Classification: Uncertain significance. Last evaluated: 2024-03-15. Review status: criteria provided, single submitter. Criteria: ACMG Guidelines, 2015. Collection method: clinical testing. Allele origin: germline. Observed: 1 variant allele.
Comment: BS1

Genome-Nilou Lab
Classification: Uncertain significance for Donnai-Barrow syndrome. Last evaluated: 2021-07-15. Review status: criteria provided, single submitter. Criteria: ACMG Guidelines, 2015. Collection method: clinical testing. Allele origin: germline. Affected: no.

Illumina Laboratory Services, Illumina
Classification: Uncertain significance for Donnai-Barrow syndrome. Last evaluated: 2017-09-14. Review status: criteria provided, single submitter. Criteria: ICSL Variant Classification Criteria 13 December 2019. Collection method: clinical testing. Allele origin: germline.
Comment: This variant was observed as part of a predisposition screen in an ostensibly healthy population. A literature search was performed for the gene, cDNA change, and amino acid change (where applicable). Publications were found based on this search. However, the evidence from the literature, in combination with allele frequency data from public databases where available, was not sufficient to rule this variant in or out of causing disease. Therefore, this variant is classified as a variant of unknown significance.

University of Washington Center for Mendelian Genomics, University of Washington
Classification: Likely pathogenic for Intellectual Disability. Review status: no assertion criteria provided. Collection method: research. Allele origin: inherited. Affected: yes. Not counted in ClinVar's aggregate classification.

Literature cited by the submitters: PubMed 26529358 (cited by Mayo Clinic Laboratories, Mayo Clinic and Illumina Laboratory Services, Illumina); PubMed 30167849 (cited by Mayo Clinic Laboratories, Mayo Clinic and University of Washington Center for Mendelian Genomics, University of Washington).